The following is an entry in ClinVar:

NM_138576.4(BCL11B):c.1666T>C (p.Phe556Leu)

Gene: BCL11B (BCL11 transcription factor B; minus strand). Cytogenetic location: 14q32.2.
Variant type: single nucleotide variant.
Coding change: c.1666T>C on transcript NM_138576.4 (MANE Select); coding-DNA position 1666, T replaced by C.
Protein change: p.Phe556Leu; replaces phenylalanine 556 with leucine.
Molecular consequence: missense variant.
Genome position (GRCh38, 1-based): chr14:99,175,170, A>G on the plus strand (T>C on the coding strand, the complement: BCL11B is on the minus strand). VCF-style: chr14-99175170-A-G. GRCh37 (hg19) VCF-style: chr14-99641507-A-G.
Other names: c.1663T>C, p.Phe555Leu (NM_001282237.2); c.1450T>C, p.Phe484Leu (NM_001282238.2); c.1453T>C, p.Phe485Leu (NM_022898.3); short protein forms F485L, F555L, F556L, F484L.
Identifiers: ClinVar variation 3393595 (VCV003393595.1).

ClinVar aggregate classification (germline): Uncertain significance (1 of 4 stars; one submission).

Submission:

GeneDx
Classification: Uncertain significance. Last evaluated: 2024-06-27. Review status: criteria provided, single submitter. Criteria: GeneDx Variant Classification Process June 2021. Collection method: clinical testing. Allele origin: germline. Affected: yes.
Comment: Not observed at significant frequency in large population cohorts (gnomAD); In silico analysis indicates that this missense variant does not alter protein structure/function; Has not been previously published as pathogenic or benign to our knowledge